The following is an entry in ClinVar:

NM_001042492.3(NF1):c.6261dup (p.Leu2088fs)

Gene: NF1 (neurofibromin 1; plus strand). Cytogenetic location: 17q11.2.
Variant type: Duplication.
Coding change: c.6261dup on transcript NM_001042492.3 (MANE Select); coding-DNA position 6261, one base duplicated (G; older notation c.6261dupG).
Protein change: p.Leu2088fs; shifts the reading frame from leucine 2088.
Molecular consequence: frameshift variant.
Genome position (GRCh38, 1-based): chr17:31,336,748, G duplicated. VCF-style (leftmost placement, unchanged base first): chr17-31336747-T-TG. GRCh37 (hg19) VCF-style: chr17-29663765-T-TG.
Other names: c.6198dup, p.Leu2067Alafs (NM_000267.4); short protein forms L2088fs, L2067fs.
Identifiers: ClinVar variation 2696620 (VCV002696620.3), dbSNP rs2508748751, ClinGen allele CA2695225103.
Genomic context (GRCh38, chr17:31,336,747, plus strand): 5'-CTACTTTAGAACAACATCTTATGTGGGATGATATTGCTATTTTAGCACGCTACATGCTGA[T>TG]GCTGTCCTTCAACAATTCCCTTGATGTGGCAGCTCATCTTCCCTACCTCTTCCACGTTGT-3'

ClinVar aggregate classification (germline): Pathogenic (1 of 4 stars; one submission).

Conditions:
Neurofibromatosis, type 1 (NF1). Also called: Peripheral type neurofibromatosis; VON RECKLINGHAUSEN DISEASE; Neurofibromatosis, type I; NEUROFIBROMATOSIS, TYPE I, SOMATIC. Identifiers: Orphanet 636, MedGen C0027831, MONDO:0018975, OMIM 162200. Disease mechanism: loss of function.

Submission:

Labcorp Genetics (formerly Invitae), Labcorp
Classification: Pathogenic for Neurofibromatosis, type 1. Last evaluated: 2023-11-17. Review status: criteria provided, single submitter. Criteria: Invitae Variant Classification Sherloc (09022015). Collection method: clinical testing. Allele origin: germline.
Comment: This sequence change creates a premature translational stop signal (p.Leu2067Alafs*8) in the NF1 gene. It is expected to result in an absent or disrupted protein product. Loss-of-function variants in NF1 are known to be pathogenic (PMID: 10712197, 23913538). This variant is not present in population databases (gnomAD no frequency). This premature translational stop signal has been observed in individual(s) with neurofibromatosis type 1 (PMID: 35240321). Algorithms developed to predict the effect of sequence changes on RNA splicing suggest that this variant may disrupt the consensus splice site. For these reasons, this variant has been classified as Pathogenic.

Literature cited by the submitters: PubMed 10712197; PubMed 23913538; PubMed 35240321.